The following is an entry in ClinVar:

ClinVar aggregate classification (germline): Pathogenic. Review status: criteria provided, multiple submitters, no conflicts (2 of 4 stars). 7 submissions from 7 submitters: Pathogenic (7). Last evaluated 2026-04-20.

Conditions:
Breast-ovarian cancer, familial, susceptibility to, 5 (BROVCA5). Identifiers: MedGen C5830615, MONDO:0957530, OMIM 620442.
Familial cancer of breast. Also called: Hereditary breast cancer; hereditary breast carcinoma; BREAST CANCER, FAMILIAL. Identifiers: Orphanet 227535, MedGen C0346153, MONDO:0016419, OMIM 114480. Disease mechanism: loss of function.
Hereditary cancer-predisposing syndrome. Also called: Hereditary Cancer Syndrome; Neoplastic Syndromes, Hereditary; Tumor predisposition; Hereditary neoplastic syndrome. Identifiers: Orphanet 140162, MedGen C0027672, MeSH D009386, MONDO:0015356.

Submissions (7):

Dasa
Classification: Pathogenic for Breast-ovarian cancer, familial, susceptibility to, 5. Last evaluated: 2026-04-20. Review status: criteria provided, single submitter. Criteria: DASA Assertion Criteria. Collection method: clinical testing. Allele origin: germline.
Comment: NM_024675.4(PALB2):c.1438A>T (p.Lys480*) introduces a premature termination codon predicted to result in loss of normal protein function. Loss-of-function is an established mechanism of disease for this gene. The affected residue or protein region has prior evidence supporting clinical relevance. This variant has been reported in individuals with Breast-ovarian cancer, familial, susceptibility to, 5 (PMID: 29706558). The variant is present at low frequency in population datasets. Based on the available data, this variant is classified as pathogenic.

GeneDx
Classification: Pathogenic. Last evaluated: 2025-10-01. Review status: criteria provided, single submitter. Criteria: GeneDx Variant Classification Process June 2021. Collection method: clinical testing. Allele origin: germline. Affected: yes.
Comment: Nonsense variant predicted to result in protein truncation or nonsense mediated decay in a gene for which loss of function is a known mechanism of disease; Not observed at significant frequency in large population cohorts (gnomAD); Truncating variants in this gene are considered pathogenic by a well-established clinical consortium and/or database; This variant is associated with the following publications: (PMID: 38874686, 29706558, 37436117)

Ambry Genetics
Classification: Pathogenic for Hereditary cancer-predisposing syndrome. Last evaluated: 2025-08-11. Review status: criteria provided, single submitter. Criteria: Ambry Variant Classification Scheme 2023. Collection method: clinical testing. Allele origin: germline.
Comment: The c.1438A>T (p.K480*) alteration, located in exon 4 (coding exon 4) of the PALB2 gene, consists of a A to T substitution at nucleotide position 1438. This changes the amino acid from a lysine (K) to a stop codon at amino acid position 480. This alteration is expected to result in loss of function by premature protein truncation or nonsense-mediated mRNA decay. This variant was not reported in population-based cohorts in the Genome Aggregation Database (gnomAD). This variant was detected in multiple individuals with reported features of gastric cancer, prostate cancer, and hereditary breast and/or ovarian cancer syndrome (Fewings, 2018; Paulo, 2023; Faria, 2024). Based on the available evidence, this alteration is classified as pathogenic.

Labcorp Genetics (formerly Invitae), Labcorp
Classification: Pathogenic for Familial cancer of breast. Last evaluated: 2024-09-18. Review status: criteria provided, single submitter. Criteria: Invitae Variant Classification Sherloc (09022015). Collection method: clinical testing. Allele origin: germline.
Comment: This sequence change creates a premature translational stop signal (p.Lys480*) in the PALB2 gene. It is expected to result in an absent or disrupted protein product. Loss-of-function variants in PALB2 are known to be pathogenic (PMID: 17200668, 17200671, 17200672, 24136930, 25099575). This variant is not present in population databases (gnomAD no frequency). This premature translational stop signal has been observed in individual(s) with diffuse gastric cancer (PMID: 29706558). ClinVar contains an entry for this variant (Variation ID: 379581). For these reasons, this variant has been classified as Pathogenic.

Color Diagnostics, LLC DBA Color Health
Classification: Pathogenic for Hereditary cancer-predisposing syndrome. Last evaluated: 2024-02-06. Review status: criteria provided, single submitter. Criteria: ACMG Guidelines, 2015. Collection method: clinical testing. Allele origin: germline.
Comment: This variant changes 1 nucleotide in exon 4 of the PALB2 gene, creating a premature translation stop signal. This variant is expected to result in an absent or non-functional protein product. This variant has been reported in an individual affected with diffuse gastric cancer (PMID: 29706558). This variant has not been identified in the general population by the Genome Aggregation Database (gnomAD). Loss of PALB2 function is a known mechanism of disease. Based on the available evidence, this variant is classified as Pathogenic.

Baylor Genetics
Classification: Pathogenic for Familial cancer of breast. Last evaluated: 2024-02-05. Review status: criteria provided, single submitter. Criteria: ACMG Guidelines, 2015. Collection method: clinical testing. Allele origin: unknown.

Myriad Genetics, Inc.
Classification: Pathogenic for Familial cancer of breast. Last evaluated: 2023-09-08. Review status: criteria provided, single submitter. Criteria: Myriad Autosomal Dominant, Autosomal Recessive and X-Linked Classification Criteria (2023). Collection method: clinical testing. Allele origin: unknown.
Comment: This variant is considered pathogenic. This variant creates a termination codon and is predicted to result in premature protein truncation.

Literature cited by the submitters: PubMed 29706558 (cited by 4 submitters); PubMed 37436117 (cited by Ambry Genetics); PubMed 38874686 (cited by Ambry Genetics); PubMed 17200668 (cited by Labcorp Genetics (formerly Invitae), Labcorp); PubMed 17200671 (cited by Labcorp Genetics (formerly Invitae), Labcorp); PubMed 17200672 (cited by Labcorp Genetics (formerly Invitae), Labcorp); PubMed 24136930 (cited by Labcorp Genetics (formerly Invitae), Labcorp); PubMed 25099575 (cited by Labcorp Genetics (formerly Invitae), Labcorp).

NM_024675.4(PALB2):c.1438A>T (p.Lys480Ter)

Gene: PALB2 (partner and localizer of BRCA2; minus strand). Cytogenetic location: 16p12.2.
Variant type: single nucleotide variant.
Coding change: c.1438A>T on transcript NM_024675.4 (MANE Select); coding-DNA position 1438, A replaced by T.
Protein change: p.Lys480Ter; replaces lysine 480 with a stop codon.
Molecular consequence: nonsense.
Genome position (GRCh38, 1-based): chr16:23,635,108, T>A on the plus strand (A>T on the coding strand, the complement: PALB2 is on the minus strand). VCF-style: chr16-23635108-T-A. GRCh37 (hg19) VCF-style: chr16-23646429-T-A.
Other names: short protein forms K480*.
Identifiers: ClinVar variation 379581 (VCV000379581.19), dbSNP rs1057520653, ClinGen allele CA16607220.